The following is an entry in ClinVar:

ClinVar aggregate classification (germline): Uncertain significance (1 of 4 stars; one submission).

Conditions:
Bailey-Bloch congenital myopathy (CMYO13). Also called: Native American myopathy; Congenital myopathy 13; STAC3 disorder. Identifiers: Orphanet 168572, MedGen C1850625, MONDO:0009722, OMIM 255995.

Submission:

Labcorp Genetics (formerly Invitae), Labcorp
Classification: Uncertain significance for Bailey-Bloch congenital myopathy. Last evaluated: 2022-07-05. Review status: criteria provided, single submitter. Criteria: Invitae Variant Classification Sherloc (09022015). Collection method: clinical testing. Allele origin: germline.
Comment: This variant, c.207_212dup, results in the insertion of 2 amino acid(s) of the STAC3 protein (p.Glu75_Glu76dup), but otherwise preserves the integrity of the reading frame. This variant is present in population databases (rs755615344, gnomAD 0.02%). This variant has not been reported in the literature in individuals affected with STAC3-related conditions. Experimental studies and prediction algorithms are not available or were not evaluated, and the functional significance of this variant is currently unknown. In summary, the available evidence is currently insufficient to determine the role of this variant in disease. Therefore, it has been classified as a Variant of Uncertain Significance.

NM_145064.3(STAC3):c.195GGAAGA[4] (p.Glu75_Glu76dup)

Gene: STAC3 (SH3 and cysteine rich domain 3; minus strand). Cytogenetic location: 12q13.3.
Variant type: Microsatellite.
Coding change: c.195GGAAGA[4] on transcript NM_145064.3 (MANE Select); four copies in a row of the 6-base unit GGAAGA starting at c.195; the reference has three copies in a row; one copy, 6 bases duplicated.
Protein change: p.Glu75_Glu76dup.
Molecular consequence: inframe insertion. On other transcripts: intron variant (1).
Genome position (GRCh38, 1-based): chr12:57,249,163-57,249,168, TCTTCC duplicated on the plus strand (GGAAGA on the coding strand, the reverse complement: STAC3 is on the minus strand); duplicating any 6 consecutive bases within chr12:57,249,163-57,249,182 gives the same sequence; the position shown is the placement nearest the transcript's 3' end. VCF-style (leftmost placement, unchanged base first): chr12-57249162-T-TTCTTCC. GRCh37 (hg19) VCF-style: chr12-57642945-T-TTCTTCC.
Other names: c.78GGAAGA[4], p.Glu36_Glu37dup (NM_001286256.2); c.-126-982GGAAGA[4] (NM_001286257.2).
Identifiers: ClinVar variation 565591 (VCV000565591.4), dbSNP rs747619441, ClinGen allele CA6647225.
Genomic context (GRCh38, chr12:57,249,162, plus strand): 5'-TTTGTGGGGCTTATCGTTGACCAGCTTAGGAGGTTCTGGGGGTGGCTCCTCCTCCTCCTC[T>TTCTTCC]TCTTCCTCTTCCTCTTCCTCATAGATGTAGTAGATGGGCCCACCCCCAGCTCCCACTGCC-3'